The following is an entry in ClinVar:

ClinVar aggregate classification (germline): Likely pathogenic (1 of 4 stars; one submission).

Conditions:
Melnick-Needles syndrome (MNS). Also called: MELNICK-NEEDLES OSTEODYSPLASTY; OSTEODYSPLASTY OF MELNICK AND NEEDLES; Melnick-Needles Syndrome (FLNA-MNS). Identifiers: Orphanet 2484, MedGen C0025237, MONDO:0010650, OMIM 309350.
Frontometaphyseal dysplasia (FMD1). Identifiers: Orphanet 1826, MedGen C0265293, MONDO:0015942.
Heterotopia, periventricular, X-linked dominant (PVNH1). Also called: PERIVENTRICULAR NODULAR HETEROTOPIA 1; X-linked periventricular heterotopia; PERIVENTRICULAR NODULAR HETEROTOPIA 4; HETEROTOPIA, PERIVENTRICULAR, 1. Identifiers: Orphanet 2149, Orphanet 82004, MedGen C1848213, MONDO:0010233, OMIM 300049.
Oto-palato-digital syndrome, type II (OPD2). Also called: FACIOPALATOOSSEOUS SYNDROME; OPD II SYNDROME; Otopalatodigital Syndrome, Type II; Otopalatodigital Syndrome Type 2 (FLNA-OPD2). Identifiers: Orphanet 669, Orphanet 90652, MedGen C1844696, MONDO:0010571, OMIM 304120.

Submission:

Labcorp Genetics (formerly Invitae), Labcorp
Classification: Likely pathogenic for Oto-palato-digital syndrome, type II; Heterotopia, periventricular, X-linked dominant; Frontometaphyseal dysplasia; Melnick-Needles syndrome. Last evaluated: 2024-02-18. Review status: criteria provided, single submitter. Criteria: Invitae Variant Classification Sherloc (09022015). Collection method: clinical testing. Allele origin: germline.
Comment: This variant results in the deletion of part of exon 10 (c.1430-2_1449del) of the FLNA gene. It is expected to disrupt RNA splicing. Variants that disrupt the donor or acceptor splice site typically lead to a loss of protein function (PMID: 16199547), and loss-of-function variants in FLNA are known to be pathogenic (PMID: 16684786, 20730588, 26471271). This variant is not present in population databases (gnomAD no frequency). This variant has not been reported in the literature in individuals affected with FLNA-related conditions. In summary, the currently available evidence indicates that the variant is pathogenic, but additional data are needed to prove that conclusively. Therefore, this variant has been classified as Likely Pathogenic.

Literature cited by the submitters: PubMed 16199547; PubMed 16684786; PubMed 20730588; PubMed 26471271.

NM_001110556.2(FLNA):c.1430-2_1449del

Gene: FLNA (filamin A; minus strand). Cytogenetic location: Xq28.
Variant type: Deletion.
Coding change: c.1430-2_1449del on transcript NM_001110556.2 (MANE Select); the canonical splice acceptor site of the intron before coding-DNA position 1430 through coding-DNA position 1449, 22 bases deleted (AGCCTGTAACCCGAGTGCCTGC).
Molecular consequence: splice acceptor variant.
Genome position (GRCh38, 1-based): chrX:154,365,467-154,365,488, GCAGGCACTCGGGTTACAGGCT deleted on the plus strand (AGCCTGTAACCCGAGTGCCTGC on the coding strand, the reverse complement: FLNA is on the minus strand); deleting any 22 consecutive bases within chrX:154,365,467-154,365,495 gives the same sequence; the c. name uses the placement nearest the transcript's 3' end. VCF-style (leftmost placement, unchanged base first): chrX-154365466-GGCAGGCACTCGGGTTACAGGCT-G. GRCh37 (hg19) VCF-style: chrX-153593834-GGCAGGCACTCGGGTTACAGGCT-G.
Other names: c.1430-2_1449del (NM_001456.4).
Identifiers: ClinVar variation 3754792 (VCV003754792.2).